The following is an entry in ClinVar:

ClinVar aggregate classification (germline): Uncertain significance. Review status: criteria provided, multiple submitters, no conflicts (2 of 4 stars). 2 submissions from 2 submitters: Uncertain significance (2). Last evaluated 2022-07-06.

Allele frequency attached by ClinVar (database versions not stated): gnomAD exomes below 0.00001.

Submissions (2):

Blueprint Genetics
Classification: Uncertain significance. Last evaluated: 2022-07-06. Review status: criteria provided, single submitter. Criteria: ACMG Guidelines, 2015. Collection method: clinical testing. Allele origin: germline.

Labcorp Genetics (formerly Invitae), Labcorp
Classification: Uncertain significance. Last evaluated: 2022-06-04. Review status: criteria provided, single submitter. Criteria: Invitae Variant Classification Sherloc (09022015). Collection method: clinical testing. Allele origin: germline.
Comment: In summary, the available evidence is currently insufficient to determine the role of this variant in disease. Therefore, it has been classified as a Variant of Uncertain Significance. Advanced modeling of protein sequence and biophysical properties (such as structural, functional, and spatial information, amino acid conservation, physicochemical variation, residue mobility, and thermodynamic stability) performed at Invitae indicates that this missense variant is not expected to disrupt CABP4 protein function. This sequence change replaces arginine, which is basic and polar, with serine, which is neutral and polar, at codon 7 of the CABP4 protein (p.Arg7Ser). This variant is not present in population databases (gnomAD no frequency). This variant has not been reported in the literature in individuals affected with CABP4-related conditions.

NM_145200.5(CABP4):c.21G>C (p.Arg7Ser)

Gene: CABP4 (calcium binding protein 4; plus strand). Cytogenetic location: 11q13.2.
Variant type: single nucleotide variant.
Coding change: c.21G>C on transcript NM_145200.5 (MANE Select); coding-DNA position 21, G replaced by C.
Protein change: p.Arg7Ser; replaces arginine 7 with serine.
Molecular consequence: missense variant. On other transcripts: 5 prime UTR variant (2), non-coding transcript variant (1), intron variant (1).
Genome position (GRCh38, 1-based): chr11:67,455,444, G>C. VCF-style: chr11-67455444-G-C. GRCh37 (hg19) VCF-style: chr11-67222915-G-C.
Other names: c.-363G>C (NM_001300895.3); c.-377G>C (NM_001379183.1); c.-112-265G>C (NM_001300896.3); short protein forms R7S.
Identifiers: ClinVar variation 2038233 (VCV002038233.5), dbSNP rs1864729510, ClinGen allele CA381526399.